The following is an entry in ClinVar:

ClinVar aggregate classification (germline): Uncertain significance. Review status: criteria provided, multiple submitters, no conflicts (2 of 4 stars). 2 submissions from 2 submitters: Uncertain significance (2). Last evaluated 2022-01-21.

Allele frequency attached by ClinVar (database versions not stated): TOPMed below 0.00001; gnomAD exomes 0.00001.
gnomAD v4.1: 9 of 1,614,002 alleles (0.00056%); highest among the groups gnomAD compares: Admixed American, 0.0017%; no homozygotes.

Submissions (2):

Labcorp Genetics (formerly Invitae), Labcorp
Classification: Uncertain significance. Last evaluated: 2022-01-21. Review status: criteria provided, single submitter. Criteria: Invitae Variant Classification Sherloc (09022015). Collection method: clinical testing. Allele origin: germline.
Comment: This sequence change replaces methionine, which is neutral and non-polar, with valine, which is neutral and non-polar, at codon 299 of the TTLL5 protein (p.Met299Val). This variant is present in population databases (no rsID available, gnomAD 0.003%). This variant has not been reported in the literature in individuals affected with TTLL5-related conditions. Algorithms developed to predict the effect of missense changes on protein structure and function (SIFT, PolyPhen-2, Align-GVGD) all suggest that this variant is likely to be tolerated. In summary, the available evidence is currently insufficient to determine the role of this variant in disease. Therefore, it has been classified as a Variant of Uncertain Significance.

Blueprint Genetics
Classification: Uncertain significance. Last evaluated: 2021-09-22. Review status: criteria provided, single submitter. Criteria: ACMG Guidelines, 2015. Collection method: clinical testing. Allele origin: germline.

NM_015072.5(TTLL5):c.895A>G (p.Met299Val)

Gene: TTLL5 (tubulin tyrosine ligase like 5; plus strand). Cytogenetic location: 14q24.3.
Variant type: single nucleotide variant.
Coding change: c.895A>G on transcript NM_015072.5 (MANE Select); coding-DNA position 895, A replaced by G.
Protein change: p.Met299Val; replaces methionine 299 with valine.
Molecular consequence: missense variant.
Genome position (GRCh38, 1-based): chr14:75,719,787, A>G. VCF-style: chr14-75719787-A-G. GRCh37 (hg19) VCF-style: chr14-76186130-A-G.
Other names: short protein forms M299V.
Identifiers: ClinVar variation 1957113 (VCV001957113.3), dbSNP rs1348578690, ClinGen allele CA390458516.